The following is an entry in ClinVar:

ClinVar aggregate classification (germline): Benign/Likely benign. Review status: criteria provided, multiple submitters, no conflicts (2 of 4 stars). 16 submissions from 16 submitters: Benign (7); Likely benign (5). 4 of the submissions do not count toward it. Last evaluated 2026-02-02.

Conditions:
Hereditary cancer-predisposing syndrome. Also called: Tumor predisposition; Hereditary neoplastic syndrome; Hereditary Cancer Syndrome; Neoplastic Syndromes, Hereditary. Identifiers: Orphanet 140162, MedGen C0027672, MeSH D009386, MONDO:0015356.
Oligodontia-cancer predisposition syndrome. Also called: TOOTH AGENESIS-COLORECTAL CANCER SYNDROME. Identifiers: Orphanet 300576, MedGen C1837750, MONDO:0012075, OMIM 608615. Disease mechanism: loss of function.

Allele frequency attached by ClinVar (database versions not stated): ESP Exome Variant Server 0.00031; ExAC 0.00035; gnomAD exomes 0.00039 and 0.00084; gnomAD 0.00046; TOPMed 0.00046.
gnomAD v4.1: 1,275 of 1,613,676 alleles (0.079%); highest among the groups gnomAD compares: Non-Finnish European, 0.1%; 2 homozygotes.

Submissions (16):

Labcorp Genetics (formerly Invitae), Labcorp
Classification: Benign for Oligodontia-cancer predisposition syndrome. Last evaluated: 2026-02-02. Review status: criteria provided, single submitter. Criteria: Invitae Variant Classification Sherloc (09022015). Collection method: clinical testing. Allele origin: germline.

CeGaT Center for Human Genetics Tuebingen
Classification: Likely benign. Last evaluated: 2026-02-01. Review status: criteria provided, single submitter. Criteria: CeGaT Center For Human Genetics Tuebingen Variant Classification Criteria Version 2. Collection method: clinical testing. Allele origin: germline. Affected: yes. Observed: 5 variant alleles.
Comment: AXIN2: BP4, BP7

Quest Diagnostics Nichols Institute San Juan Capistrano
Classification: Benign. Last evaluated: 2025-07-14. Review status: criteria provided, single submitter. Criteria: Quest Diagnostics criteria. Collection method: clinical testing. Allele origin: unknown.

ARUP Laboratories, Molecular Genetics and Genomics, ARUP Laboratories
Classification: Likely benign. Last evaluated: 2025-07-11. Review status: criteria provided, single submitter. Criteria: ARUP Molecular Germline Variant Investigation Process 2024. Collection method: clinical testing. Allele origin: germline.

Center for Genomic Medicine, Rigshospitalet, Copenhagen University Hospital
Classification: Likely benign. Last evaluated: 2025-03-04. Review status: criteria provided, single submitter. Criteria: ACMG Guidelines, 2015. Collection method: clinical testing. Allele origin: germline.

Blueprint Genetics
Classification: Likely benign. Last evaluated: 2024-10-14. Review status: criteria provided, single submitter. Criteria: ACMG Guidelines, 2015. Collection method: clinical testing. Allele origin: germline.

Myriad Genetics, Inc.
Classification: Benign for Oligodontia-cancer predisposition syndrome. Last evaluated: 2024-07-09. Review status: criteria provided, single submitter. Criteria: Myriad Autosomal Dominant, Autosomal Recessive and X-Linked Classification Criteria (2023). Collection method: clinical testing. Allele origin: unknown.
Comment: This variant is considered benign. This variant is a silent/synonymous amino acid change and it is not expected to impact splicing.

Women's Health and Genetics/Laboratory Corporation of America, LabCorp
Classification: Benign. Last evaluated: 2023-07-10. Review status: criteria provided, single submitter. Criteria: LabCorp Variant Classification Summary - May 2015. Collection method: clinical testing. Allele origin: germline.

Sema4
Classification: Benign for Hereditary cancer-predisposing syndrome. Last evaluated: 2020-12-30. Review status: criteria provided, single submitter. Criteria: Sema4 Curation Guidelines. Collection method: curation. Allele origin: germline.

Ambry Genetics
Classification: Likely benign for Hereditary cancer-predisposing syndrome. Last evaluated: 2018-11-15. Review status: criteria provided, single submitter. Criteria: Ambry Variant Classification Scheme 2023. Collection method: clinical testing. Allele origin: germline.

Illumina Laboratory Services, Illumina
Classification: Benign for Oligodontia-cancer predisposition syndrome. Last evaluated: 2018-01-13. Review status: criteria provided, single submitter. Criteria: ICSL Variant Classification Criteria 13 December 2019. Collection method: clinical testing. Allele origin: germline.
Comment: This variant was observed in the ICSL laboratory as part of a predisposition screen in an ostensibly healthy population. It had not been previously curated by ICSL or reported in the Human Gene Mutation Database (HGMD: prior to June 1st, 2018), and was therefore a candidate for classification through an automated scoring system. Utilizing variant allele frequency, disease prevalence and penetrance estimates, and inheritance mode, an automated score was calculated to assess if this variant is too frequent to cause the disease. Based on the score and internal cut-off values, a variant classified as benign is not then subjected to further curation. The score for this variant resulted in a classification of benign for this disease.

GeneDx
Classification: Benign. Last evaluated: 2014-02-19. Review status: criteria provided, single submitter. Criteria: GeneDx Variant Classification (06012015). Collection method: clinical testing. Allele origin: germline. Affected: yes.
Comment: This variant is considered likely benign or benign based on one or more of the following criteria: it is a conservative change, it occurs at a poorly conserved position in the protein, it is predicted to be benign by multiple in silico algorithms, and/or has population frequency not consistent with disease.

Clinical Genetics DNA and cytogenetics Diagnostics Lab, Erasmus MC, Erasmus Medical Center
Classification: Likely benign. Review status: no assertion criteria provided. Collection method: clinical testing. Allele origin: germline. Affected: yes. Study: VKGL Data-share Consensus. Not counted in ClinVar's aggregate classification.

Clinical Genetics, Academic Medical Center
Classification: Likely benign. Review status: no assertion criteria provided. Collection method: clinical testing. Allele origin: germline. Affected: yes. Study: VKGL Data-share Consensus. Not counted in ClinVar's aggregate classification.

Diagnostic Laboratory, Department of Genetics, University Medical Center Groningen
Classification: Likely benign. Review status: no assertion criteria provided. Collection method: clinical testing. Allele origin: germline. Affected: yes. Study: VKGL Data-share Consensus. Not counted in ClinVar's aggregate classification.

Mayo Clinic Laboratories, Mayo Clinic
Classification: Likely benign. Review status: no assertion criteria provided. Collection method: clinical testing. Allele origin: unknown. Not counted in ClinVar's aggregate classification.

NM_004655.4(AXIN2):c.2052G>A (p.Ala684=)

Gene: AXIN2 (axin 2; minus strand). Cytogenetic location: 17q24.1.
Variant type: single nucleotide variant.
Coding change: c.2052G>A on transcript NM_004655.4 (MANE Select); coding-DNA position 2052, G replaced by A.
Protein change: p.Ala684=; no amino-acid change (alanine 684 retained).
Molecular consequence: synonymous variant.
Genome position (GRCh38, 1-based): chr17:65,536,409, C>T on the plus strand (G>A on the coding strand, the complement: AXIN2 is on the minus strand). VCF-style: chr17-65536409-C-T. GRCh37 (hg19) VCF-style: chr17-63532527-C-T.
Other names: p.A684A:GCG>GCA; c.1857G>A, p.Ala619= (NM_001363813.1); c.2052G>A (LRG_296t1).
Identifiers: ClinVar variation 136487 (VCV000136487.81), dbSNP rs200573256, ClinGen allele CA289651.